The following is an entry in ClinVar:

ClinVar aggregate classification (germline): Likely benign. Review status: criteria provided, multiple submitters, no conflicts (2 of 4 stars). 2 submissions from 2 submitters: Likely benign (2). Last evaluated 2025-06-15.

Conditions:
ABCB4-related disorder. Also called: ABCB4-related disorders; ABCB4-related condition.

Allele frequency attached by ClinVar (database versions not stated): gnomAD 0.00001; TOPMed 0.00001.
gnomAD v4.1: 11 of 1,613,984 alleles (0.00068%); highest among the groups gnomAD compares: East Asian, 0.0045%; no homozygotes.

Submissions (2):

PreventionGenetics, part of Exact Sciences
Classification: Likely benign for ABCB4-related condition. Last evaluated: 2025-06-15. Review status: criteria provided, single submitter. Criteria: ACMG Guidelines, 2015. Collection method: clinical testing. Allele origin: germline.
Comment: This variant is classified as likely benign based on ACMG/AMP sequence variant interpretation guidelines (Richards et al. 2015 PMID: 25741868, with internal and published modifications).

Labcorp Genetics (formerly Invitae), Labcorp
Classification: Likely benign. Last evaluated: 2023-12-06. Review status: criteria provided, single submitter. Criteria: Invitae Variant Classification Sherloc (09022015). Collection method: clinical testing. Allele origin: germline.

NM_000443.4(ABCB4):c.759C>T (p.Gly253=)

Gene: ABCB4 (ATP binding cassette subfamily B member 4; minus strand). Cytogenetic location: 7q21.12.
Variant type: single nucleotide variant.
Coding change: c.759C>T on transcript NM_000443.4 (MANE Select); coding-DNA position 759, C replaced by T.
Protein change: p.Gly253=; no amino-acid change (glycine 253 retained).
Molecular consequence: synonymous variant.
Genome position (GRCh38, 1-based): chr7:87,450,042, G>A on the plus strand (C>T on the coding strand, the complement: ABCB4 is on the minus strand). VCF-style: chr7-87450042-G-A. GRCh37 (hg19) VCF-style: chr7-87079358-G-A.
Other names: c.759C>T (NM_000443.3); c.759C>T, p.Gly253= (NM_018849.3, NM_018850.3).
Identifiers: ClinVar variation 2986180 (VCV002986180.4), dbSNP rs1490366382, ClinGen allele CA456352308.